The following is an entry in ClinVar:

ClinVar aggregate classification (germline): Likely benign (0 of 4 stars; one submission).

Conditions:
LRP2-related disorder. Also called: LRP2-related condition.

Submission:

PreventionGenetics, part of Exact Sciences
Classification: Likely benign for LRP2-related condition. Last evaluated: 2022-03-01. Review status: no assertion criteria provided. Collection method: clinical testing. Allele origin: germline.
Comment: This variant is classified as likely benign based on ACMG/AMP sequence variant interpretation guidelines (Richards et al. 2015 PMID: 25741868, with internal and published modifications).

NM_004525.3(LRP2):c.3678T>G (p.Pro1226=)

Gene: LRP2 (LDL receptor related protein 2; minus strand). Cytogenetic location: 2q31.1.
Variant type: single nucleotide variant.
Coding change: c.3678T>G on transcript NM_004525.3 (MANE Select); coding-DNA position 3678, T replaced by G.
Protein change: p.Pro1226=; no amino-acid change (proline 1226 retained).
Molecular consequence: synonymous variant.
Genome position (GRCh38, 1-based): chr2:169,241,355, A>C on the plus strand (T>G on the coding strand, the complement: LRP2 is on the minus strand). VCF-style: chr2-169241355-A-C. GRCh37 (hg19) VCF-style: chr2-170097865-A-C.
Identifiers: ClinVar variation 3050239 (VCV003050239.2), dbSNP rs2528375911, ClinGen allele CA429987538.